The following is an entry in ClinVar:

NM_001173990.3(TMEM216):c.432-11_432-10insA

Gene: TMEM216 (transmembrane protein 216; plus strand). Cytogenetic location: 11q12.2.
Variant type: Insertion.
Coding change: c.432-11_432-10insA on transcript NM_001173990.3 (MANE Select); 11 bases into the intron before coding-DNA position 432 through 10 bases into the intron before coding-DNA position 432, A inserted.
Molecular consequence: intron variant. On other transcripts: splice acceptor variant (2).
Genome position: GRCh38 VCF-style: chr11-61398259-C-CA. GRCh37 (hg19) VCF-style: chr11-61165731-C-CA.
Other names: c.249-2_249-1insA (NM_016499.6); c.249-11_249-10insA (NM_001330285.2); c.432-2_432-1insA (NM_001173991.3).
Identifiers: ClinVar variation 167734 (VCV000167734.20), dbSNP rs11382548, ClinGen allele CA180454.

ClinVar aggregate classification (germline): Benign. Review status: criteria provided, multiple submitters, no conflicts (2 of 4 stars). 6 submissions from 6 submitters: Benign (6). Last evaluated 2026-02-04.

Conditions:
Joubert syndrome 1 (JBTS1). Also called: CEREBELLOPARENCHYMAL DISORDER IV; Cerebellooculorenal syndrome 1. Identifiers: MedGen C4551568, MONDO:0008944, OMIM 213300.
Joubert syndrome. Also called: JOUBERT-BOLTSHAUSER SYNDROME; Familial aplasia of the vermis. Identifiers: Orphanet 475, MedGen C5979921, MONDO:0018772.

Allele frequency attached by ClinVar (database versions not stated): ExAC 0.85933; gnomAD 0.83974 and 0.84304; gnomAD exomes 0.86936 and 0.86016; ESP Exome Variant Server 0.82762; 1000 Genomes Project 30x 0.85290; 1000 Genomes Project 0.85583; TOPMed 0.83785.

Submissions (6):

Labcorp Genetics (formerly Invitae), Labcorp
Classification: Benign for Joubert syndrome. Last evaluated: 2026-02-04. Review status: criteria provided, single submitter. Criteria: Invitae Variant Classification Sherloc (09022015). Collection method: clinical testing. Allele origin: germline.

Blueprint Genetics
Classification: Benign. Last evaluated: 2024-11-27. Review status: criteria provided, single submitter. Criteria: ACMG Guidelines, 2015. Collection method: clinical testing. Allele origin: germline.

GeneDx
Classification: Benign. Last evaluated: 2019-11-19. Review status: criteria provided, single submitter. Criteria: GeneDx Variant Classification Process June 2021. Collection method: clinical testing. Allele origin: germline. Affected: yes.

Mendelics
Classification: Benign for Joubert syndrome 1. Last evaluated: 2019-05-28. Review status: criteria provided, single submitter. Criteria: Mendelics Assertion Criteria 2017. Collection method: clinical testing. Allele origin: unknown.

Women's Health and Genetics/Laboratory Corporation of America, LabCorp
Classification: Benign. Last evaluated: 2016-05-02. Review status: criteria provided, single submitter. Criteria: LabCorp Variant Classification Summary - May 2015. Collection method: clinical testing. Allele origin: germline.
Comment: Variant summary: The c.432-11_432-10insA variant results in insertion of a nucleotide at an intronic location that is not widely known to affect splicing. Mutation taster predicts polymorphism outcome for this variant. 4/5 splice-tools in Alamut predict that this variant does not affect normal splicing. ESE finder predicts that this variant may affect ESE site of SRp40. This variant is found in 100404/116840 control chromosomes (43189 homozygotes) at a frequency of 0.859329, which significantly exceeds the maximal expected frequency of a pathogenic allele (0.0038528), suggesting this variant is a benign polymorphism. In addition, one clinical laboratory classified this variant as benign. Taken together, this variant was classified as benign.

Eurofins Ntd Llc (ga)
Classification: Benign. Last evaluated: 2014-04-25. Review status: criteria provided, single submitter. Criteria: EGL Classification Definitions 2015. Collection method: clinical testing. Allele origin: germline. Observed: 1 variant allele, 1 homozygote.